The following is an entry in ClinVar:

ClinVar aggregate classification (germline): Likely benign (0 of 4 stars; one submission).

Conditions:
COL4A6-related disorder. Also called: COL4A6-related condition.

Submission:

PreventionGenetics, part of Exact Sciences
Classification: Likely benign for COL4A6-related condition. Last evaluated: 2024-02-20. Review status: no assertion criteria provided. Collection method: clinical testing. Allele origin: germline.
Comment: This variant is classified as likely benign based on ACMG/AMP sequence variant interpretation guidelines (Richards et al. 2015 PMID: 25741868, with internal and published modifications).

NM_033641.4(COL4A6):c.3429A>T (p.Pro1143=)

Gene: COL4A6 (collagen type IV alpha 6 chain; minus strand). Cytogenetic location: Xq22.3.
Variant type: single nucleotide variant.
Coding change: c.3429A>T on transcript NM_033641.4 (MANE Select); coding-DNA position 3429, A replaced by T.
Protein change: p.Pro1143=; no amino-acid change (proline 1143 retained).
Molecular consequence: synonymous variant.
Genome position (GRCh38, 1-based): chrX:108,170,673, T>A on the plus strand (A>T on the coding strand, the complement: COL4A6 is on the minus strand). VCF-style: chrX-108170673-T-A. GRCh37 (hg19) VCF-style: chrX-107413903-T-A.
Other names: c.3480A>T, p.Pro1160= (NM_001287758.2); c.3429A>T, p.Pro1143= (NM_001287759.2, NM_001287760.2); c.3432A>T, p.Pro1144= (NM_001847.4).
Identifiers: ClinVar variation 3032663 (VCV003032663.2), dbSNP rs2521794897, ClinGen allele CA517933944.